The following is an entry in ClinVar:

ClinVar aggregate classification (germline): Uncertain significance (1 of 4 stars; one submission).

Conditions:
Progressive myoclonic epilepsy type 7. Identifiers: Orphanet 435438, MedGen C4015420, MONDO:0014521, OMIM 616187.

Allele frequency attached by ClinVar (database versions not stated): gnomAD exomes below 0.00001 and 0.00001; ExAC 0.00001.
gnomAD v4.1: 15 of 1,613,564 alleles (0.00093%); highest among the groups gnomAD compares: Non-Finnish European, 0.0013%; no homozygotes.

Submission:

Labcorp Genetics (formerly Invitae), Labcorp
Classification: Uncertain significance for Progressive myoclonic epilepsy type 7. Last evaluated: 2023-12-07. Review status: criteria provided, single submitter. Criteria: Invitae Variant Classification Sherloc (09022015). Collection method: clinical testing. Allele origin: germline.
Comment: This sequence change replaces proline, which is neutral and non-polar, with leucine, which is neutral and non-polar, at codon 489 of the KCNC1 protein (p.Pro489Leu). This variant is present in population databases (rs772473741, gnomAD 0.0009%). This variant has not been reported in the literature in individuals affected with KCNC1-related conditions. ClinVar contains an entry for this variant (Variation ID: 1499016). Advanced modeling of protein sequence and biophysical properties (such as structural, functional, and spatial information, amino acid conservation, physicochemical variation, residue mobility, and thermodynamic stability) performed at Invitae indicates that this missense variant is not expected to disrupt KCNC1 protein function with a negative predictive value of 95%. In summary, the available evidence is currently insufficient to determine the role of this variant in disease. Therefore, it has been classified as a Variant of Uncertain Significance.

NM_001112741.2(KCNC1):c.1466C>T (p.Pro489Leu)

Gene: KCNC1 (potassium voltage-gated channel subfamily C member 1; plus strand). Cytogenetic location: 11p15.1.
Variant type: single nucleotide variant.
Coding change: c.1466C>T on transcript NM_001112741.2 (MANE Select); coding-DNA position 1466, C replaced by T.
Protein change: p.Pro489Leu; replaces proline 489 with leucine.
Molecular consequence: missense variant.
Genome position (GRCh38, 1-based): chr11:17,772,560, C>T. VCF-style: chr11-17772560-C-T. GRCh37 (hg19) VCF-style: chr11-17794107-C-T.
Other names: c.1466C>T, p.Pro489Leu (NM_004976.4); short protein forms P489L.
Identifiers: ClinVar variation 1499016 (VCV001499016.8), dbSNP rs772473741, ClinGen allele CA5906813.
Genomic context (GRCh38, chr11:17,772,560, plus strand): 5'-CCAATTATTGTAAATCTGTCGTAAACTCTCCACACCACAGTACTCAGAGTGACACATGTC[C>T]GCTGGCCCAGGAAGAAATTTTAGAAATTAACAGAGCAGGTAGGAAACCTCTTAGAGGCAT-3'
Protein context (NP_001106212.1, residues 479-499): PHHSTQSDTC[Pro489Leu]LAQEEILEIN